The following is an entry in ClinVar:

ClinVar aggregate classification (germline): Uncertain significance. Review status: criteria provided, multiple submitters, no conflicts (2 of 4 stars). 4 submissions from 4 submitters: Uncertain significance (4). Last evaluated 2024-03-06.

Conditions:
Hereditary cancer-predisposing syndrome. Also called: Tumor predisposition; Neoplastic Syndromes, Hereditary; Hereditary Cancer Syndrome; Hereditary neoplastic syndrome. Identifiers: Orphanet 140162, MedGen C0027672, MeSH D009386, MONDO:0015356.
Fanconi anemia complementation group J. Also called: BRIP1-Related Fanconi Anemia. Identifiers: Orphanet 84, MedGen C1836860, MONDO:0012187, OMIM 609054.
Familial cancer of breast. Also called: BREAST CANCER, FAMILIAL; Hereditary breast cancer; hereditary breast carcinoma. Identifiers: Orphanet 227535, MedGen C0346153, MONDO:0016419, OMIM 114480. Disease mechanism: loss of function.

Allele frequency attached by ClinVar (database versions not stated): gnomAD exomes below 0.00001; TOPMed below 0.00001; gnomAD 0.00001.
gnomAD v4.1: 3 of 1,613,098 alleles (0.00019%); highest among the groups gnomAD compares: Non-Finnish European, 0.00025%; no homozygotes.

Submissions (4):

Color Diagnostics, LLC DBA Color Health
Classification: Uncertain significance for Hereditary cancer-predisposing syndrome. Last evaluated: 2024-03-06. Review status: criteria provided, single submitter. Criteria: ACMG Guidelines, 2015. Collection method: clinical testing. Allele origin: germline.
Comment: This missense variant replaces alanine with threonine at codon 1167 of the BRIP1 protein. Computational prediction tool suggests that this variant may not impact protein structure and function (internally defined REVEL score threshold <=0.5, PMID: 27666373). Splice site prediction tools suggest that this variant may not impact RNA splicing. To our knowledge, functional studies have not been performed for this variant. This variant has not been reported in individuals affected with hereditary cancer in the literature. This variant has not been identified in the general population by the Genome Aggregation Database (gnomAD). The available evidence is insufficient to determine the role of this variant in disease conclusively. Therefore, this variant is classified as a Variant of Uncertain Significance.

GeneDx
Classification: Uncertain significance. Last evaluated: 2022-12-01. Review status: criteria provided, single submitter. Criteria: GeneDx Variant Classification Process June 2021. Collection method: clinical testing. Allele origin: germline. Affected: yes.
Comment: Not observed at significant frequency in large population cohorts (gnomAD); In silico analysis supports that this missense variant does not alter protein structure/function; Has not been previously published as pathogenic or benign to our knowledge

Ambry Genetics
Classification: Uncertain significance for Hereditary cancer-predisposing syndrome. Last evaluated: 2022-01-25. Review status: criteria provided, single submitter. Criteria: Ambry Variant Classification Scheme 2023. Collection method: clinical testing. Allele origin: germline.
Comment: The p.A1167T variant (also known as c.3499G>A), located in coding exon 19 of the BRIP1 gene, results from a G to A substitution at nucleotide position 3499. The alanine at codon 1167 is replaced by threonine, an amino acid with similar properties. This amino acid position is well conserved in available vertebrate species. In addition, this alteration is predicted to be tolerated by in silico analysis. Since supporting evidence is limited at this time, the clinical significance of this alteration remains unclear.

Labcorp Genetics (formerly Invitae), Labcorp
Classification: Uncertain significance for Familial cancer of breast; Fanconi anemia complementation group J. Last evaluated: 2021-10-28. Review status: criteria provided, single submitter. Criteria: Invitae Variant Classification Sherloc (09022015). Collection method: clinical testing. Allele origin: germline.
Comment: This variant is not present in population databases (gnomAD no frequency). In summary, the available evidence is currently insufficient to determine the role of this variant in disease. Therefore, it has been classified as a Variant of Uncertain Significance. Algorithms developed to predict the effect of missense changes on protein structure and function output the following: SIFT: "Tolerated"; PolyPhen-2: "Benign"; Align-GVGD: "Class C0". The threonine amino acid residue is found in multiple mammalian species, which suggests that this missense change does not adversely affect protein function. ClinVar contains an entry for this variant (Variation ID: 479467). This variant has not been reported in the literature in individuals affected with BRIP1-related conditions. This sequence change replaces alanine, which is neutral and non-polar, with threonine, which is neutral and polar, at codon 1167 of the BRIP1 protein (p.Ala1167Thr).

NM_032043.3(BRIP1):c.3499G>A (p.Ala1167Thr)

Gene: BRIP1 (BRCA1 interacting DNA helicase 1; minus strand). Cytogenetic location: 17q23.2.
Variant type: single nucleotide variant.
Coding change: c.3499G>A on transcript NM_032043.3 (MANE Select); coding-DNA position 3499, G replaced by A.
Protein change: p.Ala1167Thr; replaces alanine 1167 with threonine.
Molecular consequence: missense variant.
Genome position (GRCh38, 1-based): chr17:61,683,547, C>T on the plus strand (G>A on the coding strand, the complement: BRIP1 is on the minus strand). VCF-style: chr17-61683547-C-T. GRCh37 (hg19) VCF-style: chr17-59760908-C-T.
Other names: short protein forms A1167T.
Identifiers: ClinVar variation 479467 (VCV000479467.18), dbSNP rs1555572570, ClinGen allele CA400478525.
Genomic context (GRCh38, chr17:61,683,547, plus strand): 5'-CTTTCACTTCTCTGGCTGAATCTACTTCTTTTATAGTTCTAATTTCAAAAAGGTCTTTAG[C>T]TAAAATGCAATCTGAATTGTTAGCCAATCTATTTCCTCTATCAGTTTCAGCTAGGTCATT-3'
Protein context (NP_114432.2, residues 1157-1177): RLANNSDCIL[Ala1167Thr]KDLFEIRTIK